The following is an entry in ClinVar:

NM_000243.3(MEFV):c.973G>A (p.Gly325Ser)

Gene: MEFV (MEFV innate immunity regulator, pyrin; minus strand). Cytogenetic location: 16p13.3.
Variant type: single nucleotide variant.
Coding change: c.973G>A on transcript NM_000243.3 (MANE Select); coding-DNA position 973, G replaced by A.
Protein change: p.Gly325Ser; replaces glycine 325 with serine.
Molecular consequence: missense variant.
Genome position (GRCh38, 1-based): chr16:3,249,718, C>T on the plus strand (G>A on the coding strand, the complement: MEFV is on the minus strand). VCF-style: chr16-3249718-C-T. GRCh37 (hg19) VCF-style: chr16-3299718-C-T.
Other names: c.340G>A, p.Gly114Ser (NM_001198536.2); short protein forms G114S, G325S.
Identifiers: ClinVar variation 853724 (VCV000853724.12), dbSNP rs146862274, ClinGen allele CA7860258.

ClinVar aggregate classification (germline): Conflicting classifications of pathogenicity. Review status: criteria provided, conflicting classifications (1 of 4 stars). 6 submissions from 4 submitters: Uncertain significance (3); Likely benign (2). 1 of the submissions does not count toward it. Last evaluated 2024-10-28.

Conditions:
Familial Mediterranean fever (FMF). Also called: POLYSEROSITIS, FAMILIAL PAROXYSMAL; POLYSEROSITIS, RECURRENT; Periodic peritonitis; Benign paroxysmal peritonitis. Identifiers: Orphanet 342, MedGen C0031069, MONDO:0018088, OMIM 249100. Disease mechanism: gain of function.
Familial Mediterranean fever, autosomal dominant. Also called: FMF, AUTOSOMAL DOMINANT; Dominant Familial Mediterranean Fever. Identifiers: Orphanet 342, MedGen C1851347, MONDO:0007601, OMIM 134610.
Acute febrile neutrophilic dermatosis (AFND). Also called: Sweet Syndrome; Gomm Button disease. Identifiers: Orphanet 3243, MedGen C0085077, MONDO:0011959, OMIM 608068.

Allele frequency attached by ClinVar (database versions not stated): ExAC 0.00012; gnomAD exomes 0.00014; 1000 Genomes Project 0.00060; TOPMed 0.00014; 1000 Genomes Project 30x 0.00109; gnomAD 0.00004 and 0.00006.
gnomAD v4.1: 66 of 1,614,006 alleles (0.0041%); highest among the groups gnomAD compares: East Asian, 0.094%; no homozygotes.

Submissions (6):

Labcorp Genetics (formerly Invitae), Labcorp
Classification: Uncertain significance for Familial Mediterranean fever. Last evaluated: 2024-10-28. Review status: criteria provided, single submitter. Criteria: Invitae Variant Classification Sherloc (09022015). Collection method: clinical testing. Allele origin: germline.
Comment: This sequence change replaces glycine, which is neutral and non-polar, with serine, which is neutral and polar, at codon 325 of the MEFV protein (p.Gly325Ser). This variant is present in population databases (rs146862274, gnomAD 0.1%). This variant has not been reported in the literature in individuals affected with MEFV-related conditions. ClinVar contains an entry for this variant (Variation ID: 853724). An algorithm developed to predict the effect of missense changes on protein structure and function outputs the following: PolyPhen-2: "Benign". The serine amino acid residue is found in multiple mammalian species, which suggests that this missense change does not adversely affect protein function. In summary, the available evidence is currently insufficient to determine the role of this variant in disease. Therefore, it has been classified as a Variant of Uncertain Significance.

Genome-Nilou Lab
Classification: Uncertain significance for Familial Mediterranean fever. Last evaluated: 2023-02-08. Review status: criteria provided, single submitter. Criteria: ACMG Guidelines, 2015. Collection method: clinical testing. Allele origin: germline.

Genome-Nilou Lab
Classification: Likely benign for Familial Mediterranean fever, autosomal dominant. Last evaluated: 2023-02-08. Review status: criteria provided, single submitter. Criteria: ACMG Guidelines, 2015. Collection method: clinical testing. Allele origin: germline.

Genome-Nilou Lab
Classification: Likely benign for Acute febrile neutrophilic dermatosis. Last evaluated: 2023-02-08. Review status: criteria provided, single submitter. Criteria: ACMG Guidelines, 2015. Collection method: clinical testing. Allele origin: germline.

Fulgent Genetics
Classification: Uncertain significance for Familial Mediterranean fever, autosomal dominant; Familial Mediterranean fever; Acute febrile neutrophilic dermatosis. Last evaluated: 2021-10-14. Review status: criteria provided, single submitter. Criteria: ACMG Guidelines, 2015. Collection method: clinical testing. Allele origin: unknown.

Natera, Inc.
Classification: Uncertain significance for Familial Mediterranean fever. Last evaluated: 2020-03-05. Review status: no assertion criteria provided. Collection method: clinical testing. Allele origin: germline. Not counted in ClinVar's aggregate classification.